The following is an entry in ClinVar:

NM_199420.4(POLQ):c.826T>C (p.Ser276Pro)

Gene: POLQ (DNA polymerase theta; minus strand). Cytogenetic location: 3q13.33.
Variant type: single nucleotide variant.
Coding change: c.826T>C on transcript NM_199420.4 (MANE Select); coding-DNA position 826, T replaced by C.
Protein change: p.Ser276Pro; replaces serine 276 with proline.
Molecular consequence: missense variant.
Genome position (GRCh38, 1-based): chr3:121,533,124, A>G on the plus strand (T>C on the coding strand, the complement: POLQ is on the minus strand). VCF-style: chr3-121533124-A-G. GRCh37 (hg19) VCF-style: chr3-121251971-A-G.
Other names: short protein forms S276P.
Identifiers: ClinVar variation 3230181 (VCV003230181.1), dbSNP rs2546819121, ClinGen allele CA354126497.

ClinVar aggregate classification (germline): Uncertain significance (1 of 4 stars; one submission).

Submission:

Ambry Genetics
Classification: Uncertain significance. Last evaluated: 2023-12-23. Review status: criteria provided, single submitter. Criteria: Ambry Variant Classification Scheme 2023. Collection method: clinical testing. Allele origin: germline.
Comment: The p.S276P variant (also known as c.826T>C), located in coding exon 6 of the POLQ gene, results from a T to C substitution at nucleotide position 826. The serine at codon 276 is replaced by proline, an amino acid with similar properties. This amino acid position is conserved. In addition, the in silico prediction for this alteration is inconclusive. Since supporting evidence is limited at this time, the clinical significance of this alteration remains unclear.